The following is an entry in ClinVar:

ClinVar aggregate classification (germline): Uncertain significance. Review status: criteria provided, single submitter (1 of 4 stars). 2 submissions from 2 submitters: Uncertain significance (1). 1 of the submissions does not count toward it. Last evaluated 2024-11-15.

Conditions:
PCNT-related disorder. Also called: PCNT-related condition.

gnomAD v4.1: 9 of 1,613,938 alleles (0.00056%); highest among the groups gnomAD compares: African/African-American, 0.004%; no homozygotes.

Submissions (2):

Labcorp Genetics (formerly Invitae), Labcorp
Classification: Uncertain significance. Last evaluated: 2024-11-15. Review status: criteria provided, single submitter. Criteria: Invitae Variant Classification Sherloc (09022015). Collection method: clinical testing. Allele origin: germline.
Comment: This sequence change replaces serine, which is neutral and polar, with leucine, which is neutral and non-polar, at codon 1419 of the PCNT protein (p.Ser1419Leu). This variant is present in population databases (rs766686287, gnomAD 0.008%). This variant has not been reported in the literature in individuals affected with PCNT-related conditions. An algorithm developed to predict the effect of missense changes on protein structure and function outputs the following: PolyPhen-2: "Possibly Damaging". The leucine amino acid residue is found in multiple mammalian species, which suggests that this missense change does not adversely affect protein function. In summary, the available evidence is currently insufficient to determine the role of this variant in disease. Therefore, it has been classified as a Variant of Uncertain Significance.

PreventionGenetics, part of Exact Sciences
Classification: Uncertain significance for PCNT-related condition. Last evaluated: 2024-05-06. Review status: no assertion criteria provided. Collection method: clinical testing. Allele origin: germline. Not counted in ClinVar's aggregate classification.
Comment: The PCNT c.4256C>T variant is predicted to result in the amino acid substitution p.Ser1419Leu. To our knowledge, this variant has not been reported in the literature. This variant is reported in 0.0080% of alleles in individuals of African descent in gnomAD. At this time, the clinical significance of this variant is uncertain due to the absence of conclusive functional and genetic evidence.

NM_006031.6(PCNT):c.4256C>T (p.Ser1419Leu)

Gene: PCNT (pericentrin; plus strand). Cytogenetic location: 21q22.3.
Variant type: single nucleotide variant.
Coding change: c.4256C>T on transcript NM_006031.6 (MANE Select); coding-DNA position 4256, C replaced by T.
Protein change: p.Ser1419Leu; replaces serine 1419 with leucine.
Molecular consequence: missense variant.
Genome position (GRCh38, 1-based): chr21:46,397,304, C>T. VCF-style: chr21-46397304-C-T. GRCh37 (hg19) VCF-style: chr21-47817218-C-T.
Other names: c.3902C>T, p.Ser1301Leu (NM_001315529.2); short protein forms S1301L, S1419L.
Identifiers: ClinVar variation 3352202 (VCV003352202.3).